The following is an entry in ClinVar:

ClinVar aggregate classification (germline): Uncertain significance (1 of 4 stars; one submission).

Conditions:
Joubert syndrome. Also called: CEREBELLOPARENCHYMAL DISORDER IV; JOUBERT-BOLTSHAUSER SYNDROME; Familial aplasia of the vermis. Identifiers: Orphanet 475, MedGen C5979921, MONDO:0018772.
Meckel-Gruber syndrome. Also called: DYSENCEPHALIA SPLANCHNOCYSTICA; GRUBER SYNDROME; Dysencephalia splachnocystica. Identifiers: Orphanet 564, MedGen C0265215, MONDO:0018921.

Allele frequency attached by ClinVar (database versions not stated): ExAC 0.00001; TOPMed 0.00001; gnomAD 0.00002.
gnomAD v4.1: 17 of 1,613,944 alleles (0.0011%); highest among the groups gnomAD compares: East Asian, 0.0022%; no homozygotes.

Submission:

Labcorp Genetics (formerly Invitae), Labcorp
Classification: Uncertain significance for Joubert syndrome; Meckel-Gruber syndrome. Last evaluated: 2022-06-27. Review status: criteria provided, single submitter. Criteria: Invitae Variant Classification Sherloc (09022015). Collection method: clinical testing. Allele origin: germline.
Comment: This sequence change replaces valine, which is neutral and non-polar, with methionine, which is neutral and non-polar, at codon 86 of the B9D1 protein (p.Val86Met). This variant is present in population databases (rs776537604, gnomAD 0.002%). This variant has not been reported in the literature in individuals affected with B9D1-related conditions. Algorithms developed to predict the effect of missense changes on protein structure and function are either unavailable or do not agree on the potential impact of this missense change (SIFT: "Deleterious"; PolyPhen-2: "Possibly Damaging"; Align-GVGD: "Class C0"). In summary, the available evidence is currently insufficient to determine the role of this variant in disease. Therefore, it has been classified as a Variant of Uncertain Significance.

NM_015681.6(B9D1):c.256G>A (p.Val86Met)

Gene: B9D1 (B9 domain containing 1; minus strand). Cytogenetic location: 17p11.2.
Variant type: single nucleotide variant.
Coding change: c.256G>A on transcript NM_015681.6 (MANE Select); coding-DNA position 256, G replaced by A.
Protein change: p.Val86Met; replaces valine 86 with methionine.
Molecular consequence: missense variant. On other transcripts: 5 prime UTR variant (1).
Genome position (GRCh38, 1-based): chr17:19,347,869, C>T on the plus strand (G>A on the coding strand, the complement: B9D1 is on the minus strand). VCF-style: chr17-19347869-C-T. GRCh37 (hg19) VCF-style: chr17-19251182-C-T.
Other names: c.256G>A, p.Val86Met (NM_001321214.2, NM_001321215.3, NM_001321216.2 and 4 more transcripts); c.-105G>A (NM_001368769.2); short protein forms V86M.
Identifiers: ClinVar variation 1380522 (VCV001380522.3), dbSNP rs776537604, ClinGen allele CA8440290.